The following is an entry in ClinVar:

NM_020312.4(COQ9):c.86G>A (p.Arg29Gln)

Gene: COQ9 (coenzyme Q9; plus strand). Cytogenetic location: 16q21.
Variant type: single nucleotide variant.
Coding change: c.86G>A on transcript NM_020312.4 (MANE Select); coding-DNA position 86, G replaced by A.
Protein change: p.Arg29Gln; replaces arginine 29 with glutamine.
Molecular consequence: missense variant.
Genome position (GRCh38, 1-based): chr16:57,451,052, G>A. VCF-style: chr16-57451052-G-A. GRCh37 (hg19) VCF-style: chr16-57484964-G-A.
Other names: p.Arg29Gln; short protein forms R29Q.
Identifiers: ClinVar variation 2339131 (VCV002339131.3), dbSNP rs750827513, ClinGen allele CA281548612.

ClinVar aggregate classification (germline): Conflicting classifications of pathogenicity. Review status: criteria provided, conflicting classifications (1 of 4 stars). 2 submissions from 2 submitters: Uncertain significance (1); Likely benign (1). Last evaluated 2025-10-17.

Conditions:
Inborn genetic diseases. Identifiers: MedGen C0950123, MeSH D030342.

Allele frequency attached by ClinVar (database versions not stated): gnomAD 0.00002; TOPMed 0.00008.

Submissions (2):

Mayo Clinic Laboratories, Mayo Clinic
Classification: Uncertain significance. Last evaluated: 2025-10-17. Review status: criteria provided, single submitter. Criteria: ACMG Guidelines, 2015. Collection method: clinical testing. Allele origin: germline. Observed: 1 variant allele.
Comment: BP4_moderate, PM2_supporting

Ambry Genetics
Classification: Likely benign for Inborn genetic diseases. Last evaluated: 2022-12-23. Review status: criteria provided, single submitter. Criteria: Ambry Variant Classification Scheme 2023. Collection method: clinical testing. Allele origin: germline.